The following is an entry in ClinVar:

ClinVar aggregate classification (germline): Uncertain significance (1 of 4 stars; one submission).

Conditions:
Galactosylceramide beta-galactosidase deficiency. Also called: Leukodystrophy, Globoid Cell; Krabbe Disease; GALACTOCEREBROSIDASE DEFICIENCY; GALC DEFICIENCY; GLOBOID CELL LEUKOENCEPHALOPATHY. Identifiers: Orphanet 487, MedGen C0023521, MONDO:0009499, OMIM 245200.

Allele frequency attached by ClinVar (database versions not stated): gnomAD exomes below 0.00001.
gnomAD v4.1: 1 of 1,612,474 alleles (0.000062%); highest among the groups gnomAD compares: Non-Finnish European, 0.000085%; no homozygotes.

Submission:

Labcorp Genetics (formerly Invitae), Labcorp
Classification: Uncertain significance for Galactosylceramide beta-galactosidase deficiency. Last evaluated: 2022-03-24. Review status: criteria provided, single submitter. Criteria: Invitae Variant Classification Sherloc (09022015). Collection method: clinical testing. Allele origin: germline.
Comment: In summary, the available evidence is currently insufficient to determine the role of this variant in disease. Therefore, it has been classified as a Variant of Uncertain Significance. Advanced modeling of protein sequence and biophysical properties (such as structural, functional, and spatial information, amino acid conservation, physicochemical variation, residue mobility, and thermodynamic stability) performed at Invitae indicates that this missense variant is not expected to disrupt GALC protein function. This variant has not been reported in the literature in individuals affected with GALC-related conditions. This variant is not present in population databases (gnomAD no frequency). This sequence change replaces threonine, which is neutral and polar, with isoleucine, which is neutral and non-polar, at codon 455 of the GALC protein (p.Thr455Ile).

NM_000153.4(GALC):c.1364C>T (p.Thr455Ile)

Gene: GALC (galactosylceramidase; minus strand). Cytogenetic location: 14q31.3.
Variant type: single nucleotide variant.
Coding change: c.1364C>T on transcript NM_000153.4 (MANE Select); coding-DNA position 1364, C replaced by T.
Protein change: p.Thr455Ile; replaces threonine 455 with isoleucine.
Molecular consequence: missense variant.
Genome position (GRCh38, 1-based): chr14:87,947,853, G>A on the plus strand (C>T on the coding strand, the complement: GALC is on the minus strand). VCF-style: chr14-87947853-G-A. GRCh37 (hg19) VCF-style: chr14-88414197-G-A.
Other names: c.1295C>T, p.Thr432Ile (NM_001201401.2); c.1286C>T, p.Thr429Ile (NM_001201402.2); short protein forms T429I, T432I, T455I.
Identifiers: ClinVar variation 2418929 (VCV002418929.10), dbSNP rs2503363532, ClinGen allele CA390746626.